The following is an entry in ClinVar:

ClinVar aggregate classification (germline): Uncertain significance (1 of 4 stars; one submission).

Conditions:
Developmental and epileptic encephalopathy, 69. Also called: EPILEPTIC ENCEPHALOPATHY, EARLY INFANTILE, 69. Identifiers: MedGen C4748988, MONDO:0032657, OMIM 618285.

Allele frequency attached by ClinVar (database versions not stated): gnomAD exomes below 0.00001; TOPMed below 0.00001; gnomAD 0.00001.
gnomAD v4.1: 6 of 1,592,170 alleles (0.00038%); highest among the groups gnomAD compares: Non-Finnish European, 0.00052%; no homozygotes.

Submission:

Kids Neuroscience Centre, Sydney Children's Hospitals Network
Classification: Uncertain significance for Developmental and epileptic encephalopathy, 69. Review status: criteria provided, single submitter. Criteria: Bournazos AM et al. (Genet Med 2021). Collection method: clinical testing. Allele origin: de novo. Inheritance: Autosomal dominant inheritance. Observed: 1 heterozygote.
Comment: Sanger sequencing of transcripts with intron-4 retention showed some evidence for CACNA1E allele bias, with lower relative levels of transcripts with the c.616+3G>A variant. Current results do not provide evidence for a splicing abnormality induced by c.616+3G>A variant. (Any other heterozygous SNPs within CACNA1E coding exons will aid better exploration if there is further evidence for allele bias)

NM_001205293.3(CACNA1E):c.616+3G>A

Gene: CACNA1E (calcium voltage-gated channel subunit alpha1 E; plus strand). Cytogenetic location: 1q25.3.
Variant type: single nucleotide variant.
Coding change: c.616+3G>A on transcript NM_001205293.3 (MANE Select); 3 bases into the intron after coding-DNA position 616, G replaced by A.
Molecular consequence: intron variant.
Genome position (GRCh38, 1-based): chr1:181,577,872, G>A. VCF-style: chr1-181577872-G-A. GRCh37 (hg19) VCF-style: chr1-181547008-G-A.
Other names: c.616+3G>A (NM_000721.4, NM_001205294.2).
Identifiers: ClinVar variation 1064602 (VCV001064602.3), dbSNP rs1318284235, ClinGen allele CA527571400.